The following is an entry in ClinVar:

ClinVar aggregate classification (germline): Pathogenic (1 of 4 stars; one submission).

Conditions:
CEP290-related ciliopathy. Also called: CEP290 ciliopathy. Identifiers: MedGen CN305601, MONDO:0100451.

Submission:

Myriad Genetics, Inc.
Classification: Pathogenic for CEP290-related ciliopathy. Last evaluated: 2026-06-30. Review status: criteria provided, single submitter. Criteria: Myriad Autosomal Dominant, Autosomal Recessive and X-Linked Classification Criteria (2023). Collection method: clinical testing. Allele origin: unknown.
Comment: NM_025114.3(CEP290):c.1262_1263delAA(K421Rfs*3) is expected to be pathogenic in the context of CEP290-related disorders. This variant is predicted to lead to an abnormal or absent protein product due to the creation of a premature termination codon in CEP290, a gene where loss-of-function variants are known to be pathogenic. Please note: this variant was assessed in the context of healthy population screening.

NM_025114.4(CEP290):c.1262_1263del (p.Lys421fs)

Gene: CEP290 (centrosomal protein 290; minus strand). Cytogenetic location: 12q21.32.
Variant type: Deletion.
Coding change: c.1262_1263del on transcript NM_025114.4 (MANE Select); coding-DNA positions 1262 to 1263, 2 bases deleted (AA; older notation c.1262_1263delAA).
Protein change: p.Lys421fs; shifts the reading frame from lysine 421.
Molecular consequence: frameshift variant.
Genome position (GRCh38, 1-based): chr12:88,121,093-88,121,094, TT deleted on the plus strand (AA on the coding strand, the reverse complement: CEP290 is on the minus strand); deleting any 2 consecutive bases within chr12:88,121,093-88,121,095 gives the same sequence; the c. name uses the placement nearest the transcript's 3' end. VCF-style (leftmost placement, unchanged base first): chr12-88121092-CTT-C. GRCh37 (hg19) VCF-style: chr12-88514869-CTT-C.
Other names: short protein forms K421fs.
Identifiers: ClinVar variation 5016098 (VCV005016098.1).